The following is an entry in ClinVar:

NM_000038.6(APC):c.4811C>G (p.Pro1604Arg)

Gene: APC (APC regulator of Wnt signaling pathway; plus strand). Cytogenetic location: 5q22.2.
Variant type: single nucleotide variant.
Coding change: c.4811C>G on transcript NM_000038.6 (MANE Select); coding-DNA position 4811, C replaced by G.
Protein change: p.Pro1604Arg; replaces proline 1604 with arginine.
Molecular consequence: missense variant.
Genome position (GRCh38, 1-based): chr5:112,840,405, C>G. VCF-style: chr5-112840405-C-G. GRCh37 (hg19) VCF-style: chr5-112176102-C-G.
Other names: c.4811C>G, p.Pro1604Arg (NM_001127510.3, NM_001354895.2); c.4757C>G, p.Pro1586Arg (NM_001127511.3); c.4865C>G, p.Pro1622Arg (NM_001354896.2); c.4841C>G, p.Pro1614Arg (NM_001354897.2); c.4736C>G, p.Pro1579Arg (NM_001354898.2); c.4727C>G, p.Pro1576Arg (NM_001354899.2); c.4688C>G, p.Pro1563Arg (NM_001354900.2); c.4634C>G, p.Pro1545Arg (NM_001354901.2); and 5 more; short protein forms P1586R, P1604R, P1321R, P1478R, P1614R, P1513R, P1563R, P1622R.
Identifiers: ClinVar variation 232299 (VCV000232299.22), dbSNP rs876659682, ClinGen allele CA10578382.
Genomic context (GRCh38, chr5:112,840,405, plus strand): 5'-CAACAAAGTCATCACGTAAAGCAAAAAAGCCAGCCCAGACTGCTTCAAAATTACCTCCAC[C>G]TGTGGCAAGGAAACCAAGTCAGCTGCCTGTGTACAAACTTCTACCATCACAAAACAGGTT-3'
Protein context (NP_000029.2, residues 1594-1614): PAQTASKLPP[Pro1604Arg]VARKPSQLPV

ClinVar aggregate classification (germline): Uncertain significance. Review status: criteria provided, multiple submitters, no conflicts (2 of 4 stars). 5 submissions from 5 submitters: Uncertain significance (5). Last evaluated 2025-09-22.

Conditions:
Familial adenomatous polyposis 1 (FAP1). Also called: FAMILIAL ADENOMATOUS POLYPOSIS 1, ATTENUATED; POLYPOSIS, ADENOMATOUS INTESTINAL. Identifiers: MedGen C2713442, MONDO:0021056, OMIM 175100. Disease mechanism: loss of function.
Hereditary cancer-predisposing syndrome. Also called: Neoplastic Syndromes, Hereditary; Tumor predisposition; Hereditary Cancer Syndrome; Hereditary neoplastic syndrome. Identifiers: Orphanet 140162, MedGen C0027672, MeSH D009386, MONDO:0015356.

Allele frequency attached by ClinVar (database versions not stated): gnomAD exomes below 0.00001; TOPMed below 0.00001; gnomAD 0.00001.
gnomAD v4.1: 2 of 1,614,058 alleles (0.00012%); highest among the groups gnomAD compares: African/African-American, 0.0027%; no homozygotes.

Submissions (5):

Labcorp Genetics (formerly Invitae), Labcorp
Classification: Uncertain significance for Familial adenomatous polyposis 1. Last evaluated: 2025-09-22. Review status: criteria provided, single submitter. Criteria: Invitae Variant Classification Sherloc (09022015). Collection method: clinical testing. Allele origin: germline.
Comment: This sequence change replaces proline, which is neutral and non-polar, with arginine, which is basic and polar, at codon 1604 of the APC protein (p.Pro1604Arg). This variant is not present in population databases (gnomAD no frequency). This variant has not been reported in the literature in individuals affected with APC-related conditions. ClinVar contains an entry for this variant (Variation ID: 232299). Invitae Evidence Modeling of protein sequence and biophysical properties (such as structural, functional, and spatial information, amino acid conservation, physicochemical variation, residue mobility, and thermodynamic stability) indicates that this missense variant is not expected to disrupt APC protein function with a negative predictive value of 95%. In summary, the available evidence is currently insufficient to determine the role of this variant in disease. Therefore, it has been classified as a Variant of Uncertain Significance.

Ambry Genetics
Classification: Uncertain significance for Hereditary cancer-predisposing syndrome. Last evaluated: 2025-04-12. Review status: criteria provided, single submitter. Criteria: Ambry Variant Classification Scheme 2023. Collection method: clinical testing. Allele origin: germline.
Comment: The p.P1604R variant (also known as c.4811C>G), located in coding exon 15 of the APC gene, results from a C to G substitution at nucleotide position 4811. The proline at codon 1604 is replaced by arginine, an amino acid with dissimilar properties. This amino acid position is highly conserved in available vertebrate species. In addition, in silico predictors for this gene do not accurately predict pathogenicity. Since supporting evidence is limited at this time, the clinical significance of this alteration remains unclear.

Color Diagnostics, LLC DBA Color Health
Classification: Uncertain significance for Hereditary cancer-predisposing syndrome. Last evaluated: 2024-03-06. Review status: criteria provided, single submitter. Criteria: ACMG Guidelines, 2015. Collection method: clinical testing. Allele origin: germline.
Comment: This missense variant replaces proline with arginine at codon 1604 of the APC protein. Computational prediction suggests that this variant may not impact protein structure and function (internally defined REVEL score threshold <= 0.5, PMID: 27666373). To our knowledge, functional studies have not been reported for this variant. This variant has not been reported in individuals affected with APC-related disorders in the literature. This variant has not been identified in the general population by the Genome Aggregation Database (gnomAD). The available evidence is insufficient to determine the role of this variant in disease conclusively. Therefore, this variant is classified as a Variant of Uncertain Significance.

Baylor Genetics
Classification: Uncertain significance for Familial adenomatous polyposis 1. Last evaluated: 2024-02-23. Review status: criteria provided, single submitter. Criteria: ACMG Guidelines, 2015. Collection method: clinical testing. Allele origin: unknown.

GeneDx
Classification: Uncertain significance. Last evaluated: 2023-01-30. Review status: criteria provided, single submitter. Criteria: GeneDx Variant Classification Process June 2021. Collection method: clinical testing. Allele origin: germline. Affected: yes.
Comment: Not observed at significant frequency in large population cohorts (gnomAD); In silico analysis supports that this missense variant does not alter protein structure/function; Has not been previously published as pathogenic or benign to our knowledge; This variant is associated with the following publications: (PMID: 18199528)